The following is an entry in ClinVar:

NM_002693.3(POLG):c.1235C>G (p.Pro412Arg)

Gene: POLG (DNA polymerase gamma, catalytic subunit; minus strand). Cytogenetic location: 15q26.1.
Variant type: single nucleotide variant.
Coding change: c.1235C>G on transcript NM_002693.3 (MANE Select); coding-DNA position 1235, C replaced by G.
Protein change: p.Pro412Arg; replaces proline 412 with arginine.
Molecular consequence: missense variant.
Genome position (GRCh38, 1-based): chr15:89,328,471, G>C on the plus strand (C>G on the coding strand, the complement: POLG is on the minus strand). VCF-style: chr15-89328471-G-C. GRCh37 (hg19) VCF-style: chr15-89871702-G-C.
Other names: c.1235C>G, p.Pro412Arg (NM_001126131.2); short protein forms P412R.
Identifiers: ClinVar variation 2804463 (VCV002804463.3), dbSNP rs587780420, ClinGen allele CA393763990.

ClinVar aggregate classification (germline): Uncertain significance (1 of 4 stars; one submission).

Conditions:
Progressive sclerosing poliodystrophy (MTDPS4A). Also called: ALPERS PROGRESSIVE INFANTILE POLIODYSTROPHY; NEURONAL DEGENERATION OF CHILDHOOD WITH LIVER DISEASE, PROGRESSIVE; Alpers Syndrome; ALPERS DIFFUSE DEGENERATION OF CEREBRAL GRAY MATTER WITH HEPATIC CIRRHOSIS; Alpers-Huttenlocher Syndrome; Mitochondrial DNA Depletion Syndrome 4A. Identifiers: Orphanet 726, MedGen C0205710, MONDO:0008758, OMIM 203700.

Submission:

Labcorp Genetics (formerly Invitae), Labcorp
Classification: Uncertain significance for Progressive sclerosing poliodystrophy. Last evaluated: 2023-08-09. Review status: criteria provided, single submitter. Criteria: Invitae Variant Classification Sherloc (09022015). Collection method: clinical testing. Allele origin: germline.
Comment: In summary, the available evidence is currently insufficient to determine the role of this variant in disease. Therefore, it has been classified as a Variant of Uncertain Significance. Advanced modeling of protein sequence and biophysical properties (such as structural, functional, and spatial information, amino acid conservation, physicochemical variation, residue mobility, and thermodynamic stability) performed at Invitae indicates that this missense variant is expected to disrupt POLG protein function. This variant has not been reported in the literature in individuals affected with POLG-related conditions. This variant is not present in population databases (gnomAD no frequency). This sequence change replaces proline, which is neutral and non-polar, with arginine, which is basic and polar, at codon 412 of the POLG protein (p.Pro412Arg).